The following is an entry in ClinVar:

NM_001271.4(CHD2):c.4306A>G (p.Ser1436Gly)

Gene: CHD2 (chromodomain helicase DNA binding protein 2; plus strand). Cytogenetic location: 15q26.1.
Variant type: single nucleotide variant.
Coding change: c.4306A>G on transcript NM_001271.4 (MANE Select); coding-DNA position 4306, A replaced by G.
Protein change: p.Ser1436Gly; replaces serine 1436 with glycine.
Molecular consequence: missense variant.
Genome position (GRCh38, 1-based): chr15:93,004,644, A>G. VCF-style: chr15-93004644-A-G. GRCh37 (hg19) VCF-style: chr15-93547874-A-G.
Other names: short protein forms S1436G.
Identifiers: ClinVar variation 1439443 (VCV001439443.8), dbSNP rs889423529, ClinGen allele CA274882950.
Genomic context (GRCh38, chr15:93,004,644, plus strand): 5'-TGACAATGACTCCTTGTAACTCTTTTTTAAAAGCCTAAAAGTGGTGATGCCAAATCTTCG[A>G]GTAAATCAAAGCGATCTCAGGGTCCTGTCCATATTACAGCAGGAAGTGAACCTGTCCCCA-3'
Protein context (NP_001262.3, residues 1426-1446): KPKSGDAKSS[Ser1436Gly]KSKRSQGPVH

ClinVar aggregate classification (germline): Uncertain significance (1 of 4 stars; one submission).

Conditions:
Developmental and epileptic encephalopathy 94 (DEE94). Also called: Epileptic encephalopathy, childhood-onset; CHD2-Related Neurodevelopmental Disorders. Identifiers: Orphanet 1942, Orphanet 2382, MedGen C3809278, MONDO:0014150, OMIM 615369.

Allele frequency attached by ClinVar (database versions not stated): TOPMed below 0.00001; gnomAD exomes 0.00001.
gnomAD v4.1: 7 of 1,612,926 alleles (0.00043%); highest among the groups gnomAD compares: Non-Finnish European, 0.00059%; no homozygotes.

Submission:

Labcorp Genetics (formerly Invitae), Labcorp
Classification: Uncertain significance for Developmental and epileptic encephalopathy 94. Last evaluated: 2021-11-30. Review status: criteria provided, single submitter. Criteria: Invitae Variant Classification Sherloc (09022015). Collection method: clinical testing. Allele origin: germline.
Comment: This sequence change replaces serine, which is neutral and polar, with glycine, which is neutral and non-polar, at codon 1436 of the CHD2 protein (p.Ser1436Gly). This variant is not present in population databases (gnomAD no frequency). This variant has not been reported in the literature in individuals affected with CHD2-related conditions. Advanced modeling of protein sequence and biophysical properties (such as structural, functional, and spatial information, amino acid conservation, physicochemical variation, residue mobility, and thermodynamic stability) performed at Invitae indicates that this missense variant is not expected to disrupt CHD2 protein function. Algorithms developed to predict the effect of sequence changes on RNA splicing suggest that this variant may create or strengthen a splice site. In summary, the available evidence is currently insufficient to determine the role of this variant in disease. Therefore, it has been classified as a Variant of Uncertain Significance.